The following is an entry in ClinVar:

NM_033380.3(COL4A5):c.643A>T (p.Lys215Ter)

Gene: COL4A5 (collagen type IV alpha 5 chain; plus strand). Cytogenetic location: Xq22.3.
Variant type: single nucleotide variant.
Coding change: c.643A>T on transcript NM_033380.3 (MANE Select); coding-DNA position 643, A replaced by T.
Protein change: p.Lys215Ter; replaces lysine 215 with a stop codon.
Molecular consequence: nonsense.
Genome position (GRCh38, 1-based): chrX:108,577,985, A>T. VCF-style: chrX-108577985-A-T. GRCh37 (hg19) VCF-style: chrX-107821215-A-T.
Other names: c.643A>T, p.Lys215Ter (NM_000495.5); short protein forms K215*.
Identifiers: ClinVar variation 2035677 (VCV002035677.4), dbSNP rs2524234146, ClinGen allele CA413923277.

ClinVar aggregate classification (germline): Pathogenic (1 of 4 stars; one submission).

Submission:

Labcorp Genetics (formerly Invitae), Labcorp
Classification: Pathogenic. Last evaluated: 2022-10-15. Review status: criteria provided, single submitter. Criteria: Invitae Variant Classification Sherloc (09022015). Collection method: clinical testing. Allele origin: germline.
Comment: For these reasons, this variant has been classified as Pathogenic. This variant has not been reported in the literature in individuals affected with COL4A5-related conditions. This variant is not present in population databases (gnomAD no frequency). This sequence change creates a premature translational stop signal (p.Lys215*) in the COL4A5 gene. It is expected to result in an absent or disrupted protein product. Loss-of-function variants in COL4A5 are known to be pathogenic (PMID: 9195222, 10752524, 14514738, 24854265, 26809805).

Literature cited by the submitters: PubMed 9195222; PubMed 10752524; PubMed 14514738; PubMed 24854265; PubMed 26809805.